The following is an entry in ClinVar:

NM_004100.5(EYA4):c.1739-64G>A

Genes: EYA4 (EYA transcriptional coactivator and phosphatase 4; plus strand), TARID (TCF21 antisense RNA inducing promoter demethylation; minus strand). Cytogenetic location: 6q23.2.
Variant type: single nucleotide variant.
Coding change: c.1739-64G>A on transcript NM_004100.5 (MANE Select); 64 bases into the intron before coding-DNA position 1739, G replaced by A.
Molecular consequence: intron variant. On other transcripts: missense variant (3).
Genome position (GRCh38, 1-based): chr6:133,525,090, G>A. VCF-style: chr6-133525090-G-A. GRCh37 (hg19) VCF-style: chr6-133846228-G-A.
Other names: c.1652G>A, p.Arg551Gln (NM_001301012.2); c.1745G>A, p.Arg582Gln (NM_001370458.1); c.1814G>A, p.Arg605Gln (NM_172105.4); c.1757-64G>A (NM_001301013.2); c.1670-64G>A (NM_172103.4); c.1595-64G>A (NM_001370459.1); c.1652G>A (NM_001301012.1); short protein forms R605Q, R551Q, R582Q.
Identifiers: ClinVar variation 163454 (VCV000163454.12), dbSNP rs143208937, ClinGen allele CA176107.

ClinVar aggregate classification (germline): Conflicting classifications of pathogenicity. Review status: criteria provided, conflicting classifications (1 of 4 stars). 7 submissions from 6 submitters: Uncertain significance (3); Likely benign (4). Last evaluated 2024-11-13.

Conditions:
EYA4-related disorder. Also called: EYA4-related condition; EYA4-related disorders. Identifiers: MedGen CN239388.
Autosomal dominant nonsyndromic hearing loss 10. Identifiers: Orphanet 90635, MedGen C1832476, MONDO:0011031, OMIM 601316.
Dilated cardiomyopathy 1J (CMD1J). Also called: CARDIOMYOPATHY, DILATED, WITH SENSORINEURAL HEARING LOSS, AUTOSOMAL DOMINANT. Identifiers: Orphanet 217622, MedGen C1854368, MONDO:0011541, OMIM 605362.

Allele frequency attached by ClinVar (database versions not stated): ESP Exome Variant Server 0.00008; gnomAD 0.00012 and 0.00017; gnomAD exomes 0.00013 and 0.00024; TOPMed 0.00015; ExAC 0.00016; 1000 Genomes Project 30x 0.00094; 1000 Genomes Project 0.00120.
gnomAD v4.1: 233 of 1,613,650 alleles (0.014%); highest among the groups gnomAD compares: Middle Eastern, 0.41%; no homozygotes.

Submissions (7):

PreventionGenetics, part of Exact Sciences
Classification: Likely benign for EYA4-related condition. Last evaluated: 2024-11-13. Review status: criteria provided, single submitter. Criteria: ACMG Guidelines, 2015. Collection method: clinical testing. Allele origin: germline.
Comment: This variant is classified as likely benign based on ACMG/AMP sequence variant interpretation guidelines (Richards et al. 2015 PMID: 25741868, with internal and published modifications).

Blueprint Genetics
Classification: Likely benign. Last evaluated: 2024-10-29. Review status: criteria provided, single submitter. Criteria: ACMG Guidelines, 2015. Collection method: clinical testing. Allele origin: germline.

GeneDx
Classification: Likely benign. Last evaluated: 2020-07-22. Review status: criteria provided, single submitter. Criteria: GeneDx Variant Classification Process June 2021. Collection method: clinical testing. Allele origin: germline. Affected: yes.

Illumina Laboratory Services, Illumina
Classification: Uncertain significance for Autosomal dominant nonsyndromic hearing loss 10. Last evaluated: 2018-01-13. Review status: criteria provided, single submitter. Criteria: ICSL Variant Classification Criteria 13 December 2019. Collection method: clinical testing. Allele origin: germline.

Illumina Laboratory Services, Illumina
Classification: Uncertain significance for Dilated cardiomyopathy 1J. Last evaluated: 2018-01-13. Review status: criteria provided, single submitter. Criteria: ICSL Variant Classification Criteria 13 December 2019. Collection method: clinical testing. Allele origin: germline.

Laboratory for Molecular Medicine, Mass General Brigham Personalized Medicine
Classification: Uncertain significance. Last evaluated: 2017-04-20. Review status: criteria provided, single submitter. Criteria: LMM Criteria. Collection method: clinical testing. Allele origin: germline. Observed: 5 variant alleles.
Comment: Variant classified as Uncertain Significance - Favor Benign. The p.Arg605Gln var iant in EYA4 has been identified by our laboratory in two individuals with heari ng loss. However, in one of these individuals, an alternate genetic etiology of the hearing loss was identified. This variant has been identified in 14/18840 East Asian chromosomes by the Geno me Aggregation Database (gnomAD; dbSNP rs143208937). Although this variant has been seen in the general population, its frequency is not high enough to rule out a pathogenic role. Computational analy sis do not provide strong evidence for or against an impact to the protein. In s ummary, while the clinical significance of the p.Arg605Gln variant is uncertain, available data suggest that it is more likely to be benign. ACMG/AMP Criteria a pplied: BP5.

Biesecker Lab/Clinical Genomics Section, National Institutes of Health
Classification: Likely benign. Last evaluated: 2013-06-24. Review status: criteria provided, single submitter. Criteria: Ng et al. (Circ Cardiovasc Genet. 2013). Collection method: research. Allele origin: unknown. Observed: 2 variant alleles. Study: ClinSeq.
Comment: The study set was not selected for affection status in relation to any cancer. Pathogenicity categories were based on literature curation. See Pubmed ID:23861362 for details.

Medical sequencing